The following is an entry in ClinVar:

ClinVar aggregate classification (germline): Pathogenic. Review status: criteria provided, multiple submitters, no conflicts (2 of 4 stars). 2 submissions from 2 submitters: Pathogenic (2). Last evaluated 2023-08-07.

Conditions:
Leigh syndrome (NULS). Also called: Leigh's syndrome; Leigh Disease; Leigh's necrotizing encephalopathy; Leigh's disease; LEIGH SYNDROME, NUCLEAR; Leigh Syndrome (mtDNA deletion). Identifiers: Orphanet 506, MedGen C2931891, MONDO:0009723, OMIM 256000.

Allele frequency attached by ClinVar (database versions not stated): gnomAD exomes below 0.00001.
gnomAD v4.1: 4 of 1,611,464 alleles (0.00025%); highest among the groups gnomAD compares: East Asian, 0.0022%; no homozygotes.

Submissions (2):

Labcorp Genetics (formerly Invitae), Labcorp
Classification: Pathogenic for Leigh syndrome. Last evaluated: 2023-08-07. Review status: criteria provided, single submitter. Criteria: Invitae Variant Classification Sherloc (09022015). Collection method: clinical testing. Allele origin: germline.
Comment: This sequence change creates a premature translational stop signal (p.Gln273*) in the SURF1 gene. While this is not anticipated to result in nonsense mediated decay, it is expected to disrupt the last 28 amino acid(s) of the SURF1 protein. This variant is present in population databases (rs782076866, gnomAD 0.006%). This premature translational stop signal has been observed in individual(s) with mitochondrial complex IV deficiency (PMID: 22700954). It has also been observed to segregate with disease in related individuals. ClinVar contains an entry for this variant (Variation ID: 2445743). This variant disrupts a region of the SURF1 protein in which other variant(s) (p.Val276Cysfs*5) have been determined to be pathogenic (Invitae). This suggests that this is a clinically significant region of the protein, and that variants that disrupt it are likely to be disease-causing. For these reasons, this variant has been classified as Pathogenic.

Women's Health and Genetics/Laboratory Corporation of America, LabCorp
Classification: Pathogenic for Leigh syndrome. Last evaluated: 2023-02-07. Review status: criteria provided, single submitter. Criteria: LabCorp Variant Classification Summary - May 2015. Collection method: clinical testing. Allele origin: germline.
Comment: Variant summary: SURF1 c.817C>T (p.Gln273X) results in a premature termination codon, predicted to cause a truncation of the encoded protein which is a commonly known mechanism for disease. Truncations downstream of this position have been classified as pathogenic by our laboratory. The variant allele was found at a frequency of 8.1e-06 in 245476 control chromosomes (gnomAD). c.817C>T has been reported in the literature in two homozygous siblings affected with Leigh Syndrome, whose parents were both unaffected heterozygous carriers (Dixon-Salazar_2012). These data indicate that the variant is likely to be associated with disease. To our knowledge, no experimental evidence demonstrating an impact on protein function has been reported. No clinical diagnostic laboratories have submitted clinical-significance assessments for this variant to ClinVar after 2014. Based on the evidence outlined above, the variant was classified as pathogenic.

Literature cited by the submitters: PubMed 22700954 (cited by Labcorp Genetics (formerly Invitae), Labcorp and Women's Health and Genetics/Laboratory Corporation of America, LabCorp).

NM_003172.4(SURF1):c.817C>T (p.Gln273Ter)

Gene: SURF1 (SURF1 cytochrome c oxidase assembly factor; minus strand). Cytogenetic location: 9q34.2.
Variant type: single nucleotide variant.
Coding change: c.817C>T on transcript NM_003172.4 (MANE Select); coding-DNA position 817, C replaced by T.
Protein change: p.Gln273Ter; replaces glutamine 273 with a stop codon.
Molecular consequence: nonsense.
Genome position (GRCh38, 1-based): chr9:133,352,077, G>A on the plus strand (C>T on the coding strand, the complement: SURF1 is on the minus strand). VCF-style: chr9-133352077-G-A. GRCh37 (hg19) VCF-style: chr9-136218932-G-A.
Other names: c.817C>T (NM_003172.3); c.490C>T, p.Gln164Ter (NM_001280787.1); short protein forms Q164*, Q273*.
Identifiers: ClinVar variation 2445743 (VCV002445743.4), dbSNP rs782076866, ClinGen allele CA200832039.
Genomic context (GRCh38, chr9:133,352,077, plus strand): 5'-GCTAGGCTGAAGGGGAGGAAGCCAGAGGGCCGCTGGGGACTCACCAGGTCACGATGTACT[G>A]CAGATGCTCGTTCCTCAGAGTAACTCTGGTTTGCCCTCCAATGGGTCCTCCAGGGACTGT-3'